The following is an entry in ClinVar:

NM_201253.3(CRB1):c.697T>C (p.Cys233Arg)

Gene: CRB1 (crumbs cell polarity complex component 1; plus strand). Cytogenetic location: 1q31.3.
Variant type: single nucleotide variant.
Coding change: c.697T>C on transcript NM_201253.3 (MANE Select); coding-DNA position 697, T replaced by C.
Protein change: p.Cys233Arg; replaces cysteine 233 with arginine.
Molecular consequence: missense variant. On other transcripts: non-coding transcript variant (2), intron variant (1).
Genome position (GRCh38, 1-based): chr1:197,344,325, T>C. VCF-style: chr1-197344325-T-C. GRCh37 (hg19) VCF-style: chr1-197313455-T-C.
Other names: c.490T>C, p.Cys164Arg (NM_001257965.2); c.697T>C, p.Cys233Arg (NM_001257966.2); c.653-12506T>C (NM_001193640.2); short protein forms C233R, C164R.
Identifiers: ClinVar variation 852914 (VCV000852914.9), dbSNP rs978649523, ClinGen allele CA36048417.

ClinVar aggregate classification (germline): Uncertain significance. Review status: criteria provided, multiple submitters, no conflicts (2 of 4 stars). 3 submissions from 3 submitters: Uncertain significance (2). 1 of the submissions does not count toward it. Last evaluated 2022-05-28.

Conditions:
Retinitis pigmentosa 12 (RP12). Also called: RP WITH OR WITHOUT PPRPE; RP WITH OR WITHOUT PRESERVED PARAARTERIOLE RETINAL PIGMENT EPITHELIUM; RETINITIS PIGMENTOSA WITH OR WITHOUT PARAARTERIOLAR PRESERVATION OF RETINAL PIGMENT EPITHELIUM. Identifiers: Orphanet 791, MedGen C1838647, MONDO:0010818, OMIM 600105.
Leber congenital amaurosis 8 (LCA8). Identifiers: Orphanet 65, MedGen C3151202, MONDO:0013453, OMIM 613835.
Leber congenital amaurosis (LCA). Also called: Leber's amaurosis. Identifiers: Orphanet 65, MedGen C0339527, MeSH D057130, MONDO:0018998.

Allele frequency attached by ClinVar (database versions not stated): TOPMed below 0.00001.

Submissions (3):

Labcorp Genetics (formerly Invitae), Labcorp
Classification: Uncertain significance for Leber congenital amaurosis 8; Retinitis pigmentosa 12. Last evaluated: 2022-05-28. Review status: criteria provided, single submitter. Criteria: Invitae Variant Classification Sherloc (09022015). Collection method: clinical testing. Allele origin: germline.
Comment: This variant has not been reported in the literature in individuals affected with CRB1-related conditions. In summary, the available evidence is currently insufficient to determine the role of this variant in disease. Therefore, it has been classified as a Variant of Uncertain Significance. Advanced modeling of protein sequence and biophysical properties (such as structural, functional, and spatial information, amino acid conservation, physicochemical variation, residue mobility, and thermodynamic stability) performed at Invitae indicates that this missense variant is expected to disrupt CRB1 protein function. ClinVar contains an entry for this variant (Variation ID: 852914). This variant is not present in population databases (gnomAD no frequency). This sequence change replaces cysteine, which is neutral and slightly polar, with arginine, which is basic and polar, at codon 233 of the CRB1 protein (p.Cys233Arg).

Blueprint Genetics
Classification: Uncertain significance. Last evaluated: 2020-04-14. Review status: criteria provided, single submitter. Criteria: ACMG Guidelines, 2015. Collection method: clinical testing. Allele origin: germline.

Natera, Inc.
Classification: Uncertain significance for Leber congenital amaurosis. Last evaluated: 2025-03-30. Review status: no assertion criteria provided. Collection method: clinical testing. Allele origin: germline. Not counted in ClinVar's aggregate classification.